The following is an entry in ClinVar:

ClinVar aggregate classification (germline): Conflicting classifications of pathogenicity. Review status: criteria provided, conflicting classifications (1 of 4 stars). 8 submissions from 8 submitters: Uncertain significance (6); Likely benign (2). Last evaluated 2026-01-06.

Conditions:
Hereditary cancer-predisposing syndrome. Also called: Neoplastic Syndromes, Hereditary; Hereditary Cancer Syndrome; Tumor predisposition; Hereditary neoplastic syndrome. Identifiers: Orphanet 140162, MedGen C0027672, MeSH D009386, MONDO:0015356.
Cardiovascular phenotype. Identifiers: MedGen CN230736.
NF1-related disorder. Also called: NF1-related condition. Identifiers: MedGen CN379171.
Neurofibromatosis, familial spinal (FSNF). Identifiers: Orphanet 636, MedGen C1834235, MONDO:0008078, OMIM 162210. Disease mechanism: loss of function.
Neurofibromatosis-Noonan syndrome (NFNS). Also called: NEUROFIBROMATOSIS WITH NOONAN PHENOTYPE. Identifiers: Orphanet 638, MedGen C2931482, MONDO:0011035, OMIM 601321. Disease mechanism: loss of function.
Café-au-lait macules with pulmonary stenosis (WTSN). Also called: PULMONIC STENOSIS WITH CAFE-AU-LAIT SPOTS. Identifiers: MedGen C0553586, MONDO:0008672, OMIM 193520.
Neurofibromatosis, type 1 (NF1). Also called: VON RECKLINGHAUSEN DISEASE; NEUROFIBROMATOSIS, TYPE I, SOMATIC; Peripheral type neurofibromatosis; Neurofibromatosis, type I. Identifiers: Orphanet 636, MedGen C0027831, MONDO:0018975, OMIM 162200. Disease mechanism: loss of function.
Juvenile myelomonocytic leukemia (JMML). Also called: LEUKEMIA, JUVENILE MYELOMONOCYTIC, SOMATIC. Identifiers: Orphanet 86834, MedGen C0349639, MONDO:0011908, OMIM 607785, HP:0012209.

Allele frequency attached by ClinVar (database versions not stated): gnomAD 0.00001; TOPMed 0.00003.

Submissions (8):

Labcorp Genetics (formerly Invitae), Labcorp
Classification: Likely benign for Neurofibromatosis, type 1. Last evaluated: 2026-01-06. Review status: criteria provided, single submitter. Criteria: Invitae Variant Classification Sherloc (09022015). Collection method: clinical testing. Allele origin: germline.

PreventionGenetics, part of Exact Sciences
Classification: Uncertain significance for NF1-related condition. Last evaluated: 2025-10-01. Review status: criteria provided, single submitter. Criteria: ACMG Guidelines, 2015. Collection method: clinical testing. Allele origin: germline.
Comment: The NF1 c.3013A>G variant is predicted to result in the amino acid substitution p.Met1005Val. To our knowledge, this variant has not been reported in the literature in individuals with NF1-related disease or in a large population database (gnomAD), indicating this variant is rare. This variant has been reported in the control population in a study of individuals with breast cancer (Supplemental Data, Breast Cancer Association Consortium et al. 2021. PubMed ID: 33471991). This variant has conflicting interpretations in ClinVar, ranging from uncertain to likely benign (Variation ID: 481926). At this time, the clinical significance of this variant is uncertain due to the absence of conclusive functional and genetic evidence.

Fulgent Genetics
Classification: Uncertain significance for Neurofibromatosis, type 1; Neurofibromatosis, familial spinal; Café-au-lait macules with pulmonary stenosis; Neurofibromatosis-Noonan syndrome; Juvenile myelomonocytic leukemia. Last evaluated: 2024-05-10. Review status: criteria provided, single submitter. Criteria: ACMG Guidelines, 2015. Collection method: clinical testing. Allele origin: germline.

Quest Diagnostics Nichols Institute San Juan Capistrano
Classification: Uncertain significance. Last evaluated: 2024-05-09. Review status: criteria provided, single submitter. Criteria: Quest Diagnostics criteria. Collection method: clinical testing. Allele origin: unknown.

Baylor Genetics
Classification: Uncertain significance for Juvenile myelomonocytic leukemia. Last evaluated: 2024-03-19. Review status: criteria provided, single submitter. Criteria: ACMG Guidelines, 2015. Collection method: clinical testing. Allele origin: unknown.

Ambry Genetics
Classification: Likely benign for Cardiovascular phenotype; Hereditary cancer-predisposing syndrome. Last evaluated: 2023-02-08. Review status: criteria provided, single submitter. Criteria: Ambry Variant Classification Scheme 2023. Collection method: clinical testing. Allele origin: germline.

Genome-Nilou Lab
Classification: Uncertain significance for Neurofibromatosis, type 1. Last evaluated: 2022-03-15. Review status: criteria provided, single submitter. Criteria: ACMG Guidelines, 2015. Collection method: clinical testing. Allele origin: germline. Affected: no.

GeneDx
Classification: Uncertain significance. Last evaluated: 2018-02-02. Review status: criteria provided, single submitter. Criteria: GeneDx Variant Classification (06012015). Collection method: clinical testing. Allele origin: germline. Affected: yes.
Comment: This variant is denoted NF1 c.3013A>G at the cDNA level, p.Met1005Val (M1005V) at the protein level, and results in the change of a Methionine to a Valine (ATG>GTG). This variant has not, to our knowledge, been published in the literature as pathogenic or benign. NF1 Met1005Val was not observed in large population cohorts (Lek 2016). This variant is located in the GTPase activating protein domain (Xu 1990, Luo 2014). In silico analysis, which includes protein predictors and evolutionary conservation, supports that this variant does not alter protein structure/function. Based on currently available evidence, it is unclear whether NF1 Met1005Val is a pathogenic or benign variant. We consider it to be a variant of uncertain significance.

Literature cited by the submitters: PubMed 33471991 (cited by Quest Diagnostics Nichols Institute San Juan Capistrano).

NM_001042492.3(NF1):c.3013A>G (p.Met1005Val)

Gene: NF1 (neurofibromin 1; plus strand). Cytogenetic location: 17q11.2.
Variant type: single nucleotide variant.
Coding change: c.3013A>G on transcript NM_001042492.3 (MANE Select); coding-DNA position 3013, A replaced by G.
Protein change: p.Met1005Val; replaces methionine 1005 with valine.
Molecular consequence: missense variant.
Genome position (GRCh38, 1-based): chr17:31,230,282, A>G. VCF-style: chr17-31230282-A-G. GRCh37 (hg19) VCF-style: chr17-29557300-A-G.
Other names: c.3013A>G, p.Met1005Val (NM_000267.4); short protein forms M1005V.
Identifiers: ClinVar variation 481926 (VCV000481926.20), dbSNP rs1555614502, ClinGen allele CA398986577.